The following is an entry in ClinVar:

NM_001384140.1(PCDH15):c.3144dup (p.Ala1049fs)

Gene: PCDH15 (protocadherin related 15; minus strand). Cytogenetic location: 10q21.1.
Variant type: Duplication.
Coding change: c.3144dup on transcript NM_001384140.1 (MANE Select); coding-DNA position 3144, one base duplicated (T; older notation c.3144dupT).
Protein change: p.Ala1049fs; shifts the reading frame from alanine 1049.
Molecular consequence: frameshift variant.
Genome position (GRCh38, 1-based): chr10:53,940,954, A duplicated on the plus strand (T on the coding strand, the reverse complement: PCDH15 is on the minus strand); the first of 2 consecutive A bases (chr10:53,940,954-53,940,955); duplicating either gives the same sequence. VCF-style (leftmost placement, unchanged base first): chr10-53940953-C-CA. GRCh37 (hg19) VCF-style: chr10-55700713-C-CA.
Other names: c.3159dup, p.Ala1054fs (NM_001142763.2, NM_001142771.2); c.3144dup, p.Ala1049fs (NM_001142764.2, NM_001142766.2, NM_001142770.3 and 4 more transcripts); c.2931dup, p.Ala978fs (NM_001142765.2); c.3033dup, p.Ala1012fs (NM_001142767.2); c.3078dup, p.Ala1027fs (NM_001142768.2, NM_001142773.2, NM_001354404.2); c.3179dup, p.Ala1061Cysfs (NM_001142769.4); c.3165dup, p.Ala1056fs (NM_001354411.2); short protein forms A1012fs, A1027fs, A1049fs, A1054fs, A1056fs, A1061fs, A978fs.
Identifiers: ClinVar variation 1726305 (VCV001726305.2), dbSNP rs2494645313, ClinGen allele CA2580081609.

ClinVar aggregate classification (germline): Likely pathogenic (1 of 4 stars; one submission).

Conditions:
Usher syndrome type 1D (USH1D). Also called: USHER SYNDROME, TYPE ID. Identifiers: Orphanet 231169, Orphanet 886, MedGen C1832845, MONDO:0010984, OMIM 601067.

Submission:

Myriad Genetics, Inc.
Classification: Likely pathogenic for Usher syndrome type 1D. Last evaluated: 2021-12-15. Review status: criteria provided, single submitter. Criteria: Myriad Women's Health Autosomal Recessive and X-Linked Classification Criteria (2021). Collection method: clinical testing. Allele origin: unknown.
Comment: NM_033056.3(PCDH15):c.3144dupT(A1049Cfs*16) is expected to be pathogenic in the context of PCDH15-related disorders. This variant is predicted to lead to an abnormal or absent protein product due to the creation of a premature termination codon in PCDH15, a gene where loss-of-function variants are known to be pathogenic. Please note: this variant was assessed in the context of healthy population screening.